The following is an entry in ClinVar:

ClinVar aggregate classification (germline): Uncertain significance. Review status: criteria provided, multiple submitters, no conflicts (2 of 4 stars). 2 submissions from 2 submitters: Uncertain significance (2). Last evaluated 2022-10-17.

gnomAD v4.1: 12 of 1,614,186 alleles (0.00074%); highest among the groups gnomAD compares: Non-Finnish European, 0.001%; no homozygotes.

Submissions (2):

Labcorp Genetics (formerly Invitae), Labcorp
Classification: Uncertain significance. Last evaluated: 2022-10-17. Review status: criteria provided, single submitter. Criteria: Invitae Variant Classification Sherloc (09022015). Collection method: clinical testing. Allele origin: germline.
Comment: This sequence change replaces valine, which is neutral and non-polar, with isoleucine, which is neutral and non-polar, at codon 235 of the RGR protein (p.Val235Ile). This variant is not present in population databases (gnomAD no frequency). This variant has not been reported in the literature in individuals affected with RGR-related conditions. Algorithms developed to predict the effect of missense changes on protein structure and function are either unavailable or do not agree on the potential impact of this missense change (SIFT: "Tolerated"; PolyPhen-2: "Not Available"; Align-GVGD: "Class C0"). In summary, the available evidence is currently insufficient to determine the role of this variant in disease. Therefore, it has been classified as a Variant of Uncertain Significance.

Blueprint Genetics
Classification: Uncertain significance. Last evaluated: 2021-09-20. Review status: criteria provided, single submitter. Criteria: ACMG Guidelines, 2015. Collection method: clinical testing. Allele origin: germline.

NM_001012720.2(RGR):c.703G>A (p.Val235Ile)

Gene: RGR (retinal G protein coupled receptor; plus strand). Cytogenetic location: 10q23.1.
Variant type: single nucleotide variant.
Coding change: c.703G>A on transcript NM_001012720.2 (MANE Select); coding-DNA position 703, G replaced by A.
Protein change: p.Val235Ile; replaces valine 235 with isoleucine.
Molecular consequence: missense variant. On other transcripts: intron variant (1).
Genome position (GRCh38, 1-based): chr10:84,257,965, G>A. VCF-style: chr10-84257965-G-A. GRCh37 (hg19) VCF-style: chr10-86017721-G-A.
Other names: c.715G>A, p.Val239Ile (NM_002921.4); c.631-543G>A (NM_001012722.2); short protein forms V235I, V239I.
Identifiers: ClinVar variation 1926900 (VCV001926900.6), dbSNP rs776429279, ClinGen allele CA377392185.